The following is an entry in ClinVar:

NM_001252024.2(TRPM1):c.3900C>T (p.Asn1300=)

Gene: TRPM1 (transient receptor potential cation channel subfamily M member 1; minus strand). Cytogenetic location: 15q13.3.
Variant type: single nucleotide variant.
Coding change: c.3900C>T on transcript NM_001252024.2 (MANE Select); coding-DNA position 3900, C replaced by T.
Protein change: p.Asn1300=; no amino-acid change (asparagine 1300 retained).
Molecular consequence: synonymous variant.
Genome position (GRCh38, 1-based): chr15:31,002,800, G>A on the plus strand (C>T on the coding strand, the complement: TRPM1 is on the minus strand). VCF-style: chr15-31002800-G-A. GRCh37 (hg19) VCF-style: chr15-31295003-G-A.
Other names: c.3951C>T (NM_001252020.1); c.3951C>T, p.Asn1317= (NM_001252020.2); c.3834C>T, p.Asn1278= (NM_002420.6); c.3834C>T (NM_002420.4).
Identifiers: ClinVar variation 1136050 (VCV001136050.12), dbSNP rs374471543, ClinGen allele CA7451737.
Genomic context (GRCh38, chr15:31,002,800, plus strand): 5'-CCTGACTCCTGTCCCTGGTGACGTGGAGAGAGATGTATCCTCAAATAATAACTCTTCTCC[G>A]TTAAAATGATATCGATACAAGCTGTAGCCATCAGCGCTATTGATGCTGCTTTGCCGGAGA-3'
Protein context (NP_001238953.1, residues 1290-1310): DGYSLYRYHF[Asn1300=]GEELLFEDTS

ClinVar aggregate classification (germline): Likely benign. Review status: criteria provided, multiple submitters, no conflicts (2 of 4 stars). 4 submissions from 4 submitters: Likely benign (4). Last evaluated 2025-10-26.

Conditions:
Inborn genetic diseases. Identifiers: MedGen C0950123, MeSH D030342.
TRPM1-related disorder. Also called: TRPM1-related condition.

Allele frequency attached by ClinVar (database versions not stated): gnomAD exomes 0.00009 and 0.00011; ExAC 0.00010; gnomAD 0.00013 and 0.00014; TOPMed 0.00007; ESP Exome Variant Server 0.00008.
gnomAD v4.1: 140 of 1,614,038 alleles (0.0087%); highest among the groups gnomAD compares: Admixed American, 0.032%; no homozygotes.

Submissions (4):

Labcorp Genetics (formerly Invitae), Labcorp
Classification: Likely benign. Last evaluated: 2025-10-26. Review status: criteria provided, single submitter. Criteria: Invitae Variant Classification Sherloc (09022015). Collection method: clinical testing. Allele origin: germline.

PreventionGenetics, part of Exact Sciences
Classification: Likely benign for TRPM1-related condition. Last evaluated: 2024-11-09. Review status: criteria provided, single submitter. Criteria: ACMG Guidelines, 2015. Collection method: clinical testing. Allele origin: germline.
Comment: This variant is classified as likely benign based on ACMG/AMP sequence variant interpretation guidelines (Richards et al. 2015 PMID: 25741868, with internal and published modifications).

Blueprint Genetics
Classification: Likely benign. Last evaluated: 2024-09-12. Review status: criteria provided, single submitter. Criteria: ACMG Guidelines, 2015. Collection method: clinical testing. Allele origin: germline.

Ambry Genetics
Classification: Likely benign for Inborn genetic diseases. Last evaluated: 2023-07-25. Review status: criteria provided, single submitter. Criteria: Ambry Variant Classification Scheme 2023. Collection method: clinical testing. Allele origin: germline.